The following is an entry in ClinVar:

ClinVar aggregate classification (germline): Uncertain significance (1 of 4 stars; one submission).

Conditions:
Peroxisome biogenesis disorder 1A (Zellweger) (PBD1A). Also called: Zellweger leukodystrophy; Peroxisome biogenesis disorder 1a. Identifiers: MedGen C4721541, MONDO:0008953, OMIM 214100.

Submission:

Neuberg Centre For Genomic Medicine, NCGM
Classification: Uncertain significance for Peroxisome biogenesis disorder 1A (Zellweger). Review status: criteria provided, single submitter. Criteria: ACMG Guidelines, 2015. Collection method: clinical testing. Allele origin: germline. Affected: yes.
Comment: The missense variant p.T64P in PEX3 (NM_003630.2) has not been reported previously as a pathogenic variant nor as a benign variant, to our knowledge. The p.T64P variant is novel (not in any individuals) in gnomAD Exomes and is novel (not in any individuals) in 1000 Genomes. The p.T64P missense variant is predicted to be damaging by both SIFT and PolyPhen2. The threonine residue at codon 64 of PEX3 is conserved in all mammalian species. The nucleotide c.190 in PEX3 is predicted conserved by GERP++ and PhyloP across 100 vertebrates. For these reasons, this variant has been classified as Uncertain Significance.

NM_003630.3(PEX3):c.190A>C (p.Thr64Pro)

Gene: PEX3 (peroxisomal biogenesis factor 3; plus strand). Cytogenetic location: 6q24.2.
Variant type: single nucleotide variant.
Coding change: c.190A>C on transcript NM_003630.3 (MANE Select); coding-DNA position 190, A replaced by C.
Protein change: p.Thr64Pro; replaces threonine 64 with proline.
Molecular consequence: missense variant.
Genome position (GRCh38, 1-based): chr6:143,459,201, A>C. VCF-style: chr6-143459201-A-C. GRCh37 (hg19) VCF-style: chr6-143780338-A-C.
Other names: short protein forms T64P.
Identifiers: ClinVar variation 1878629 (VCV001878629.1), dbSNP rs2537182143, ClinGen allele CA365905491.